The following is an entry in ClinVar:

ClinVar aggregate classification (germline): Likely benign. Review status: criteria provided, multiple submitters, no conflicts (2 of 4 stars). 3 submissions from 3 submitters: Likely benign (2). 1 of the submissions does not count toward it. Last evaluated 2025-01-27.

Conditions:
FGFR3-related disorder. Also called: FGFR3-related disorders.

Allele frequency attached by ClinVar (database versions not stated): gnomAD exomes 0.00002 and 0.00003; ExAC 0.00004; gnomAD 0.00004; TOPMed 0.00006; ESP Exome Variant Server 0.00008.

Submissions (3):

Labcorp Genetics (formerly Invitae), Labcorp
Classification: Likely benign. Last evaluated: 2025-01-27. Review status: criteria provided, single submitter. Criteria: Invitae Variant Classification Sherloc (09022015). Collection method: clinical testing. Allele origin: germline.

Blueprint Genetics
Classification: Likely benign. Last evaluated: 2024-10-02. Review status: criteria provided, single submitter. Criteria: ACMG Guidelines, 2015. Collection method: clinical testing. Allele origin: germline.

PreventionGenetics, part of Exact Sciences
Classification: Likely benign for FGFR3-related condition. Last evaluated: 2019-08-30. Review status: no assertion criteria provided. Collection method: clinical testing. Allele origin: germline. Not counted in ClinVar's aggregate classification.
Comment: This variant is classified as likely benign based on ACMG/AMP sequence variant interpretation guidelines (Richards et al. 2015 PMID: 25741868, with internal and published modifications).

NM_000142.5(FGFR3):c.951C>T (p.Thr317=)

Gene: FGFR3 (fibroblast growth factor receptor 3; plus strand). Cytogenetic location: 4p16.3.
Variant type: single nucleotide variant.
Coding change: c.951C>T on transcript NM_000142.5 (MANE Select); coding-DNA position 951, C replaced by T.
Protein change: p.Thr317=; no amino-acid change (threonine 317 retained).
Molecular consequence: synonymous variant. On other transcripts: non-coding transcript variant (1), intron variant (2).
Genome position (GRCh38, 1-based): chr4:1,803,712, C>T. VCF-style: chr4-1803712-C-T. GRCh37 (hg19) VCF-style: chr4-1805439-C-T.
Other names: c.951C>T (NM_000142.4); c.951C>T, p.Thr317= (NM_001354809.2, NM_001354810.2); c.1082-618C>T (NM_001163213.2); c.931-1112C>T (NM_022965.4).
Identifiers: ClinVar variation 1680047 (VCV001680047.11), dbSNP rs368192848, ClinGen allele CA2810141.